The following is an entry in ClinVar:

ClinVar aggregate classification (germline): Uncertain significance (1 of 4 stars; one submission).

Submission:

Labcorp Genetics (formerly Invitae), Labcorp
Classification: Uncertain significance. Last evaluated: 2023-06-03. Review status: criteria provided, single submitter. Criteria: Invitae Variant Classification Sherloc (09022015). Collection method: clinical testing. Allele origin: germline.
Comment: This sequence change replaces serine, which is neutral and polar, with phenylalanine, which is neutral and non-polar, at codon 228 of the SIAE protein (p.Ser228Phe). This variant is not present in population databases (gnomAD no frequency). This variant has not been reported in the literature in individuals affected with SIAE-related conditions. An algorithm developed to predict the effect of missense changes on protein structure and function (PolyPhen-2) suggests that this variant is likely to be disruptive. In summary, the available evidence is currently insufficient to determine the role of this variant in disease. Therefore, it has been classified as a Variant of Uncertain Significance.

NM_170601.5(SIAE):c.683C>T (p.Ser228Phe)

Gene: SIAE (sialic acid acetylesterase; minus strand). Cytogenetic location: 11q24.2.
Variant type: single nucleotide variant.
Coding change: c.683C>T on transcript NM_170601.5 (MANE Select); coding-DNA position 683, C replaced by T.
Protein change: p.Ser228Phe; replaces serine 228 with phenylalanine.
Molecular consequence: missense variant.
Genome position (GRCh38, 1-based): chr11:124,649,658, G>A on the plus strand (C>T on the coding strand, the complement: SIAE is on the minus strand). VCF-style: chr11-124649658-G-A. GRCh37 (hg19) VCF-style: chr11-124519554-G-A.
Other names: c.578C>T, p.Ser193Phe (NM_001199922.2); short protein forms S193F, S228F.
Identifiers: ClinVar variation 2833330 (VCV002833330.3), dbSNP rs746906284, ClinGen allele CA383150539.